The following is an entry in ClinVar:

NM_002772.3(TMPRSS15):c.317A>G (p.Tyr106Cys)

Gene: TMPRSS15 (transmembrane serine protease 15; minus strand). Cytogenetic location: 21q21.1.
Variant type: single nucleotide variant.
Coding change: c.317A>G on transcript NM_002772.3 (MANE Select); coding-DNA position 317, A replaced by G.
Protein change: p.Tyr106Cys; replaces tyrosine 106 with cysteine.
Molecular consequence: missense variant.
Genome position (GRCh38, 1-based): chr21:18,397,906, T>C on the plus strand (A>G on the coding strand, the complement: TMPRSS15 is on the minus strand). VCF-style: chr21-18397906-T-C. GRCh37 (hg19) VCF-style: chr21-19770223-T-C.
Other names: c.317A>G, p.Tyr106Cys (NM_001428056.1, NM_001428057.1); short protein forms Y106C.
Identifiers: ClinVar variation 3697548 (VCV003697548.2).

ClinVar aggregate classification (germline): Uncertain significance (1 of 4 stars; one submission).

gnomAD v4.1: 15 of 1,553,318 alleles (0.00097%); highest among the groups gnomAD compares: South Asian, 0.013%; no homozygotes.

Submission:

Labcorp Genetics (formerly Invitae), Labcorp
Classification: Uncertain significance. Last evaluated: 2024-04-15. Review status: criteria provided, single submitter. Criteria: Invitae Variant Classification Sherloc (09022015). Collection method: clinical testing. Allele origin: germline.
Comment: This sequence change replaces tyrosine, which is neutral and polar, with cysteine, which is neutral and slightly polar, at codon 106 of the TMPRSS15 protein (p.Tyr106Cys). This variant is present in population databases (rs776593478, gnomAD 0.01%). This variant has not been reported in the literature in individuals affected with TMPRSS15-related conditions. An algorithm developed to predict the effect of missense changes on protein structure and function (PolyPhen-2) suggests that this variant is likely to be disruptive. In summary, the available evidence is currently insufficient to determine the role of this variant in disease. Therefore, it has been classified as a Variant of Uncertain Significance.